The following is an entry in ClinVar:

NM_005909.5(MAP1B):c.2700A>T (p.Glu900Asp)

Gene: MAP1B (microtubule associated protein 1B; plus strand). Cytogenetic location: 5q13.2.
Variant type: single nucleotide variant.
Coding change: c.2700A>T on transcript NM_005909.5 (MANE Select); coding-DNA position 2700, A replaced by T.
Protein change: p.Glu900Asp; replaces glutamic acid 900 with aspartic acid.
Molecular consequence: missense variant.
Genome position (GRCh38, 1-based): chr5:72,196,055, A>T. VCF-style: chr5-72196055-A-T. GRCh37 (hg19) VCF-style: chr5-71491882-A-T.
Other names: c.2322A>T, p.Glu774Asp (NM_001324255.2); short protein forms E774D, E900D.
Identifiers: ClinVar variation 3390257 (VCV003390257.14).

ClinVar aggregate classification (germline): Uncertain significance (1 of 4 stars; one submission).

Submission:

CeGaT Center for Human Genetics Tuebingen
Classification: Uncertain significance. Last evaluated: 2024-11-01. Review status: criteria provided, single submitter. Criteria: CeGaT Center For Human Genetics Tuebingen Variant Classification Criteria Version 2. Collection method: clinical testing. Allele origin: germline. Affected: yes. Observed: 1 variant allele.
Comment: MAP1B: PM2